The following is an entry in ClinVar:

ClinVar aggregate classification (germline): Uncertain significance. Review status: criteria provided, multiple submitters, no conflicts (2 of 4 stars). 2 submissions from 2 submitters: Uncertain significance (2). Last evaluated 2026-07-21.

Conditions:
DCDC2-related disorder. Also called: DCDC2-related condition.
Inborn genetic diseases. Identifiers: MedGen C0950123, MeSH D030342.

gnomAD v4.1: 11 of 1,613,066 alleles (0.00068%); highest among the groups gnomAD compares: Non-Finnish European, 0.00093%; no homozygotes.

Submissions (2):

PreventionGenetics, part of Exact Sciences
Classification: Uncertain significance for DCDC2-related condition. Last evaluated: 2026-07-21. Review status: criteria provided, single submitter. Criteria: ACMG Guidelines, 2015. Collection method: clinical testing. Allele origin: germline.
Comment: The DCDC2 c.175T>C variant is predicted to result in the amino acid substitution p.Phe59Leu. To our knowledge, this variant has not been reported in the literature. This variant is reported in 0.00090% of alleles in individuals of European (Non-Finnish) descent in gnomAD. At this time, the clinical significance of this variant is uncertain due to the absence of conclusive functional and genetic evidence.

Ambry Genetics
Classification: Uncertain significance for Inborn genetic diseases. Last evaluated: 2025-07-31. Review status: criteria provided, single submitter. Criteria: Ambry Variant Classification Scheme 2023. Collection method: clinical testing. Allele origin: germline.

NM_016356.5(DCDC2):c.175T>C (p.Phe59Leu)

Genes: DCDC2 (doublecortin domain containing 2; minus strand), KAAG1 (kidney associated DCDC2 antisense RNA 1; plus strand). Cytogenetic location: 6p22.3.
Variant type: single nucleotide variant.
Coding change: c.175T>C on transcript NM_016356.5 (MANE Select); coding-DNA position 175, T replaced by C.
Protein change: p.Phe59Leu; replaces phenylalanine 59 with leucine.
Molecular consequence: missense variant. On other transcripts: non-coding transcript variant (1).
Genome position (GRCh38, 1-based): chr6:24,357,576, A>G on the plus strand (T>C on the coding strand, the complement: DCDC2 is on the minus strand). VCF-style: chr6-24357576-A-G. GRCh37 (hg19) VCF-style: chr6-24357804-A-G.
Other names: c.175T>C (NM_016356.4); c.175T>C, p.Phe59Leu (NM_001195610.2); short protein forms F59L.
Identifiers: ClinVar variation 4237990 (VCV004237990.2).